The following is an entry in ClinVar:

NM_000257.4(MYH7):c.343T>C (p.Tyr115His)

Gene: MYH7 (myosin heavy chain 7; minus strand). Cytogenetic location: 14q11.2.
Variant type: single nucleotide variant.
Coding change: c.343T>C on transcript NM_000257.4 (MANE Select); coding-DNA position 343, T replaced by C.
Protein change: p.Tyr115His; replaces tyrosine 115 with histidine.
Molecular consequence: missense variant.
Genome position (GRCh38, 1-based): chr14:23,433,086, A>G on the plus strand (T>C on the coding strand, the complement: MYH7 is on the minus strand). VCF-style: chr14-23433086-A-G. GRCh37 (hg19) VCF-style: chr14-23902295-A-G.
Other names: NM_000257.4(MYH7):c.343T>C; short protein forms Y115H.
Identifiers: ClinVar variation 42960 (VCV000042960.26), dbSNP rs397516183, ClinGen allele CA013702.

ClinVar aggregate classification (germline): Uncertain significance. Review status: reviewed by expert panel (3 of 4 stars). 6 submissions from 6 submitters: Uncertain significance (1). 5 of the submissions do not count toward it. Last evaluated 2021-08-25.

Conditions:
Dilated cardiomyopathy 1S (CMD1S). Identifiers: Orphanet 154, Orphanet 54260, MedGen C1834481, MONDO:0013262, OMIM 613426.
Hypertrophic cardiomyopathy 1 (CMH1). Also called: Familial hypertrophic cardiomyopathy 1; MYH7-Related Familial Hypertrophic Cardiomyopathy. Identifiers: MedGen C3495498, MONDO:0008647, OMIM 192600.
Left ventricular noncompaction 1 (LVNC1). Also called: LEFT VENTRICULAR NONCOMPACTION 1 WITH OR WITHOUT CONGENITAL HEART DEFECTS. Identifiers: Orphanet 54260, MedGen C1858725, MONDO:0011403, OMIM 604169.
Myosin storage myopathy (CMYO7A). Also called: Scapuloperoneal myopathy, MYH7-related; MYOPATHY WITH LYSIS OF TYPE I MYOFIBRILS; MYH7-related late-onset scapuloperoneal muscular dystrophy; Congenital myopathy 7A, myosin storage, autosomal dominant; SCAPULOPERONEAL MUSCULAR DYSTROPHY; SCAPULOPERONEAL SYNDROME, MYOPATHIC TYPE. Identifiers: Orphanet 437572, Orphanet 636965, MedGen C1842160, MONDO:0008409, OMIM 608358.
Myopathy, myosin storage, autosomal recessive (CMYO7B). Also called: CONGENITAL MYOPATHY 7B, MYOSIN STORAGE, AUTOSOMAL RECESSIVE. Identifiers: Orphanet 636970, MedGen C1850709, MONDO:0009708, OMIM 255160.
MYH7-related skeletal myopathy. Also called: Myopathy, distal, 1; Laing distal myopathy; MYOPATHY, DISTAL, EARLY-ONSET, AUTOSOMAL DOMINANT; MYOPATHY, LATE DISTAL HEREDITARY; Laing early-onset distal myopathy. Identifiers: Orphanet 59135, MedGen C4552004, MONDO:0008050, OMIM 160500.
Cardiovascular phenotype. Identifiers: MedGen CN230736.
Cardiomyopathy (CMYO). Also called: Cardiomyopathies. Identifiers: Orphanet 167848, MedGen C0878544, MONDO:0004994, HP:0001638. Inheritance: Various modes of inheritance.
Hypertrophic cardiomyopathy. Also called: HYPERTROPHIC MYOCARDIOPATHY. Identifiers: Orphanet 217569, MedGen C0007194, MeSH D002312, MONDO:0005045, HP:0001639.

Allele frequency attached by ClinVar (database versions not stated): gnomAD 0.00001; TOPMed 0.00001; gnomAD exomes 0.00001 and below 0.00001; ExAC 0.00001.
gnomAD v4.1: 12 of 1,614,030 alleles (0.00074%); highest among the groups gnomAD compares: Non-Finnish European, 0.001%; no homozygotes.

Submissions (6):

ClinGen Cardiomyopathy Variant Curation Expert Panel
Classification: Uncertain significance for Hypertrophic cardiomyopathy. Last evaluated: 2021-08-25. Review status: reviewed by expert panel. Criteria: ClinGen CMP ACMG Specifications v1. Collection method: curation. Allele origin: germline. Inheritance: Autosomal dominant inheritance.
Comment: The c.343T>C (p.Tyr115His) variant in MYH7 has been reported in at least 12 individuals with HCM (PS4_Moderate; Van Driest 2004 PMID:15358028; Homberger 2016 PMID:27247418; Walsh 2017 PMID:27532257; CHEO pers. comm.; Invitae pers. comm.; LMM pers. comm.; OMGL pers. comm.), 2 of whom also had additional variants in other HCM-associated genes (Invitae pers. comm.; LMM pers. comm.). This variant also segregated with disease in 1 affected relative with HCM (OMGL pers. comm.); however, this data is currently insufficient to establish co-segregation with disease and apply PP1. This variant was identified in 0.0009% (1/113572) of European chromosomes in gnomAD v2.1.1 (PM2). Computational prediction tools and conservation analysis suggest that this variant may impact the protein (PP3). In summary, due to insufficient evidence, this variant is classified as uncertain significance for hypertrophic cardiomyopathy in an autosomal dominant manner. MYH7-specific ACMG/AMP criteria applied (Kelly 2018 PMID:29300372): PS4_Moderate; PM2; PP3.

Labcorp Genetics (formerly Invitae), Labcorp
Classification: Uncertain significance for Hypertrophic cardiomyopathy. Last evaluated: 2025-12-29. Review status: criteria provided, single submitter. Criteria: Invitae Variant Classification Sherloc (09022015). Collection method: clinical testing. Allele origin: germline. Not counted in ClinVar's aggregate classification.
Comment: This sequence change replaces tyrosine, which is neutral and polar, with histidine, which is basic and polar, at codon 115 of the MYH7 protein (p.Tyr115His). This variant is present in population databases (rs397516183, gnomAD 0.0009%). This missense change has been observed in individual(s) with hypertrophic cardiomyopathy (PMID: 27247418, 27532257, 32894683, 37652022, 38456273). ClinVar contains an entry for this variant (Variation ID: 42960). An algorithm developed to predict the effect of missense changes on protein structure and function (PolyPhen-2) suggests that this variant is likely to be disruptive. In summary, the available evidence is currently insufficient to determine the role of this variant in disease. Therefore, it has been classified as a Variant of Uncertain Significance.

Color Diagnostics, LLC DBA Color Health
Classification: Uncertain significance for Cardiomyopathy. Last evaluated: 2025-07-15. Review status: criteria provided, single submitter. Criteria: ACMG Guidelines, 2015. Collection method: clinical testing. Allele origin: germline. Not counted in ClinVar's aggregate classification.
Comment: This missense variant replaces tyrosine with histidine at codon 115 of the MYH7 protein. Computational prediction suggests that this variant may have a deleterious impact on protein structure and function. To our knowledge, functional studies have not been reported for this variant. This variant has been reported in individuals affected with hypertrophic cardiomyopathy (PMID: 15358028, 27247418, 27532257, 32894683, 37652022communication with an external laboratoryClinVar SCV000900862.3, SCV000945443.5). This variant has been identified in 1/251288 chromosomes in the general population by the Genome Aggregation Database (gnomAD). The available evidence is insufficient to determine the role of this variant in disease conclusively. Therefore, this variant is classified as a Variant of Uncertain Significance.

Ambry Genetics
Classification: Likely pathogenic for Cardiovascular phenotype. Last evaluated: 2023-02-06. Review status: criteria provided, single submitter. Criteria: Ambry General Variant Classification Scheme_2022. Collection method: clinical testing. Allele origin: germline. Not counted in ClinVar's aggregate classification.
Comment: The p.Y115H variant (also known as c.343T>C), located in coding exon 2 of the MYH7 gene, results from a T to C substitution at nucleotide position 343. The tyrosine at codon 115 is replaced by histidine, an amino acid with similar properties. This alteration has been reported in numerous individuals with hypertrophic cardiomyopathy (HCM) (Van Driest SL et al. J Am Coll Cardiol, 2004 Aug;44:602-10; Alfares AA et al. Genet Med, 2015 Nov;17:880-8; Homburger JR et al. Proc Natl Acad Sci U S A, 2016 Jun;113:6701-6; CHEO pers. comm., Invitae pers. comm.; LMM pers. comm; OMGL pers. comm.). This variant is considered to be rare based on population cohorts in the Genome Aggregation Database (gnomAD). This amino acid position is highly conserved in available vertebrate species. In addition, this alteration is predicted to be deleterious by in silico analysis. Based on the majority of available evidence to date, this variant is likely to be pathogenic.

CHEO Genetics Diagnostic Laboratory, Children's Hospital of Eastern Ontario
Classification: Uncertain significance for Cardiomyopathy. Last evaluated: 2022-08-08. Review status: criteria provided, single submitter. Criteria: ACMG Guidelines, 2015. Collection method: clinical testing. Allele origin: germline. Not counted in ClinVar's aggregate classification.

Laboratory for Molecular Medicine, Mass General Brigham Personalized Medicine
Classification: Uncertain significance. Last evaluated: 2020-03-16. Review status: criteria provided, single submitter. Criteria: LMM Criteria. Collection method: clinical testing. Allele origin: germline. Observed: 3 variant alleles. Not counted in ClinVar's aggregate classification.
Comment: Variant classified as Uncertain Significance - Favor Pathogenic. The p.Tyr115His variant in MYH7 has been reported in 7 individuals with hypertrophic cardiomyopathy (HCM; Van Driest 2004, Homburger 2016, Walsh 2017, LMM data). It has also been identified in 1/113572 European chromosomes by gnomAD. Computational prediction tools and conservation analysis suggest that this variant may impact the protein, though this information is not predictive enough to determine pathogenicity. In summary, while there is some suspicion for a pathogenic role, the clinical significance of this variant is uncertain. ACMG/AMP Criteria applied: PM2, PS4_Moderate, PP3.

Literature cited by the submitters: PubMed 27247418 (cited by 4 submitters); PubMed 27532257 (cited by 3 submitters); PubMed 32894683 (cited by Labcorp Genetics (formerly Invitae), Labcorp and Color Diagnostics, LLC DBA Color Health); PubMed 37652022 (cited by Labcorp Genetics (formerly Invitae), Labcorp and Color Diagnostics, LLC DBA Color Health); PubMed 38456273 (cited by Labcorp Genetics (formerly Invitae), Labcorp); PubMed 15358028 (cited by 3 submitters); PubMed 25611685 (cited by Ambry Genetics); PubMed 30275503 (cited by Laboratory for Molecular Medicine, Mass General Brigham Personalized Medicine); PubMed 28606303 (cited by Laboratory for Molecular Medicine, Mass General Brigham Personalized Medicine).